The following is an entry in ClinVar:

NM_016194.4(GNB5):c.907G>A (p.Ala303Thr)

Gene: GNB5 (G protein subunit beta 5; minus strand). Cytogenetic location: 15q21.2.
Variant type: single nucleotide variant.
Coding change: c.907G>A on transcript NM_016194.4 (MANE Select); coding-DNA position 907, G replaced by A.
Protein change: p.Ala303Thr; replaces alanine 303 with threonine.
Molecular consequence: missense variant.
Genome position (GRCh38, 1-based): chr15:52,128,201, C>T on the plus strand (G>A on the coding strand, the complement: GNB5 is on the minus strand). VCF-style: chr15-52128201-C-T. GRCh37 (hg19) VCF-style: chr15-52420398-C-T.
Other names: c.625G>A, p.Ala209Thr (NM_001379343.1); c.781G>A, p.Ala261Thr (NM_006578.4); short protein forms A209T, A261T, A303T.
Identifiers: ClinVar variation 1310878 (VCV001310878.2), dbSNP rs368053006, ClinGen allele CA7565593.

ClinVar aggregate classification (germline): Uncertain significance (1 of 4 stars; one submission).

Allele frequency attached by ClinVar (database versions not stated): gnomAD 0.00001; TOPMed 0.00003; ESP Exome Variant Server 0.00015.

Submission:

GeneDx
Classification: Uncertain significance. Last evaluated: 2019-12-09. Review status: criteria provided, single submitter. Criteria: GeneDx Variant Classification Process June 2021. Collection method: clinical testing. Allele origin: germline. Affected: yes.
Comment: Has not been previously published as pathogenic or benign to our knowledge; Not observed at a significant frequency in large population cohorts (Lek et al., 2016); In silico analysis, which includes protein predictors and evolutionary conservation, supports a deleterious effect